The following is an entry in ClinVar:

NM_001042413.2(GLIS3):c.1210C>A (p.Gln404Lys)

Gene: GLIS3 (GLIS family zinc finger 3; minus strand). Cytogenetic location: 9p24.2.
Variant type: single nucleotide variant.
Coding change: c.1210C>A on transcript NM_001042413.2 (MANE Select); coding-DNA position 1210, C replaced by A.
Protein change: p.Gln404Lys; replaces glutamine 404 with lysine.
Molecular consequence: missense variant.
Genome position (GRCh38, 1-based): chr9:4,118,268, G>T on the plus strand (C>A on the coding strand, the complement: GLIS3 is on the minus strand). VCF-style: chr9-4118268-G-T. GRCh37 (hg19) VCF-style: chr9-4118268-G-T.
Other names: c.745C>A, p.Gln249Lys (NM_152629.4); short protein forms Q404K, Q249K.
Identifiers: ClinVar variation 1362519 (VCV001362519.7), dbSNP rs751660790, ClinGen allele CA4968271.

ClinVar aggregate classification (germline): Uncertain significance. Review status: criteria provided, multiple submitters, no conflicts (2 of 4 stars). 2 submissions from 2 submitters: Uncertain significance (2). Last evaluated 2023-12-11.

Conditions:
Neonatal diabetes mellitus with congenital hypothyroidism. Also called: NDH SYNDROME. Identifiers: Orphanet 79118, MedGen C1857775, MONDO:0012436, OMIM 610199.

Allele frequency attached by ClinVar (database versions not stated): gnomAD 0.00001; TOPMed 0.00002; gnomAD exomes 0.00003 and 0.00005; ExAC 0.00010.
gnomAD v4.1: 77 of 1,586,732 alleles (0.0049%); highest among the groups gnomAD compares: Middle Eastern, 0.034%; no homozygotes.

Submissions (2):

Labcorp Genetics (formerly Invitae), Labcorp
Classification: Uncertain significance. Last evaluated: 2023-12-11. Review status: criteria provided, single submitter. Criteria: Invitae Variant Classification Sherloc (09022015). Collection method: clinical testing. Allele origin: germline.
Comment: This sequence change replaces glutamine, which is neutral and polar, with lysine, which is basic and polar, at codon 249 of the GLIS3 protein (p.Gln249Lys). This variant is present in population databases (rs751660790, gnomAD 0.008%). This variant has not been reported in the literature in individuals affected with GLIS3-related conditions. ClinVar contains an entry for this variant (Variation ID: 1362519). An algorithm developed to predict the effect of missense changes on protein structure and function (PolyPhen-2) suggests that this variant is likely to be disruptive. In summary, the available evidence is currently insufficient to determine the role of this variant in disease. Therefore, it has been classified as a Variant of Uncertain Significance.

Fulgent Genetics
Classification: Uncertain significance for Neonatal diabetes mellitus with congenital hypothyroidism. Last evaluated: 2021-12-12. Review status: criteria provided, single submitter. Criteria: ACMG Guidelines, 2015. Collection method: clinical testing. Allele origin: unknown.